The following is an entry in ClinVar:

ClinVar aggregate classification (germline): Conflicting classifications of pathogenicity. Review status: criteria provided, conflicting classifications (1 of 4 stars). 3 submissions from 3 submitters: Uncertain significance (1); Likely benign (1). 1 of the submissions does not count toward it. Last evaluated 2026-01-16.

Conditions:
Hyperglycinuria. Also called: GLYCINURIA WITH OR WITHOUT OXALATE NEPHROLITHIASIS; GLYCINURIA WITH OR WITHOUT OXALATE UROLITHIASIS; IMINOGLYCINURIA TYPE II. Identifiers: MedGen C0543541, MONDO:0007677, OMIM 138500, HP:0003108.
Iminoglycinuria. Identifiers: Orphanet 42062, MedGen C0268654, MONDO:0009448, OMIM 242600.
SLC36A2-related disorder. Also called: SLC36A2-related condition.

Submissions (3):

Labcorp Genetics (formerly Invitae), Labcorp
Classification: Likely benign. Last evaluated: 2026-01-16. Review status: criteria provided, single submitter. Criteria: Invitae Variant Classification Sherloc (09022015). Collection method: clinical testing. Allele origin: germline.

Department of Pathology and Laboratory Medicine, Sinai Health System
Classification: Uncertain significance for Hyperglycinuria; Iminoglycinuria. Last evaluated: 2021-11-24. Review status: criteria provided, single submitter. Criteria: ACMG Guidelines, 2015. Collection method: research. Allele origin: germline.

PreventionGenetics, part of Exact Sciences
Classification: Likely benign for SLC36A2-related condition. Last evaluated: 2023-01-12. Review status: no assertion criteria provided. Collection method: clinical testing. Allele origin: germline. Not counted in ClinVar's aggregate classification.
Comment: This variant is classified as likely benign based on ACMG/AMP sequence variant interpretation guidelines (Richards et al. 2015 PMID: 25741868, with internal and published modifications).

NM_181776.3(SLC36A2):c.146AGA[1] (p.Lys50del)

Genes: SLC36A1 (solute carrier family 36 member 1; plus strand), SLC36A2 (solute carrier family 36 member 2; minus strand). Cytogenetic location: 5q33.1.
Variant type: Microsatellite.
Coding change: c.146AGA[1] on transcript NM_181776.3 (MANE Select); one copy of the 3-base unit AGA starting at c.146; the reference has two copies in a row; one copy, 3 bases deleted.
Protein change: p.Lys50del; deletes lysine 50.
Molecular consequence: inframe deletion.
Genome position (GRCh38, 1-based): chr5:151,347,310-151,347,312, TCT deleted on the plus strand (AGA on the coding strand, the reverse complement: SLC36A2 is on the minus strand); deleting any 3 consecutive bases within chr5:151,347,310-151,347,317 gives the same sequence; the position shown is the placement nearest the transcript's 3' end. VCF-style (leftmost placement, unchanged base first): chr5-151347309-GTCT-G. GRCh37 (hg19) VCF-style: chr5-150726870-GTCT-G.
Other names: c.149_151delAGA (NM_181776.2); short protein forms K50del.
Identifiers: ClinVar variation 2052777 (VCV002052777.7), dbSNP rs559821596, ClinGen allele CA3519022.